The following is an entry in ClinVar:

NM_006642.5(SDCCAG8):c.2112G>A (p.Gln704=)

Genes: AKT3 (AKT serine/threonine kinase 3; minus strand), SDCCAG8 (SHH signaling and ciliogenesis regulator SDCCAG8; plus strand). Cytogenetic location: 1q43.
Variant type: single nucleotide variant.
Coding change: c.2112G>A on transcript NM_006642.5 (MANE Select); coding-DNA position 2112, G replaced by A.
Protein change: p.Gln704=; no amino-acid change (glutamine 704 retained).
Molecular consequence: synonymous variant. On other transcripts: intron variant (1).
Genome position (GRCh38, 1-based): chr1:243,489,140, G>A. VCF-style: chr1-243489140-G-A. GRCh37 (hg19) VCF-style: chr1-243652442-G-A.
Other names: c.1209G>A, p.Gln403= (NM_001350246.2, NM_001350247.2, NM_001350251.2); c.2208G>A, p.Gln736= (NM_001350248.2); c.1818G>A, p.Gln606= (NM_001350249.2); c.*7-690C>T (NM_181690.2).
Identifiers: ClinVar variation 4982638 (VCV004982638.1).

ClinVar aggregate classification (germline): Uncertain significance (1 of 4 stars; one submission).

Conditions:
SDCCAG8-related disorder. Also called: SDCCAG8-Related Disorders; SDCCAG8-related condition.

Submission:

PreventionGenetics, part of Exact Sciences
Classification: Uncertain significance for SDCCAG8-related condition. Last evaluated: 2024-11-25. Review status: criteria provided, single submitter. Criteria: ACMG Guidelines, 2015. Collection method: clinical testing. Allele origin: germline.
Comment: The SDCCAG8 c.2112G>A variant is not predicted to result in an amino acid change (p.=). To our knowledge, this variant has not been reported in the literature or in a large population database (gnomAD), indicating this variant is rare. At this time, the clinical significance of this variant is uncertain due to the absence of conclusive functional and genetic evidence.